The following is an entry in ClinVar:

ClinVar aggregate classification (germline): Uncertain significance. Review status: criteria provided, multiple submitters, no conflicts (2 of 4 stars). 2 submissions from 2 submitters: Uncertain significance (2). Last evaluated 2025-03-07.

Conditions:
Propionic acidemia (PROP). Also called: GLYCINEMIA, KETOTIC; HYPERGLYCINEMIA WITH KETOACIDOSIS AND LEUKOPENIA; KETOTIC HYPERGLYCINEMIA. Identifiers: Orphanet 35, MedGen C0268579, MONDO:0011628, OMIM 606054, HP:0003571.

Allele frequency attached by ClinVar (database versions not stated): gnomAD exomes below 0.00001.
gnomAD v4.1: 2 of 1,613,994 alleles (0.00012%); highest among the groups gnomAD compares: Non-Finnish European, 0.00017%; no homozygotes.

Submissions (2):

GeneDx
Classification: Uncertain significance. Last evaluated: 2025-03-07. Review status: criteria provided, single submitter. Criteria: GeneDx Variant Classification Process June 2021. Collection method: clinical testing. Allele origin: germline. Affected: yes.
Comment: Not observed at significant frequency in large population cohorts (gnomAD); In silico analysis supports that this missense variant has a deleterious effect on protein structure/function; Has not been previously published as pathogenic or benign to our knowledge

Illumina Laboratory Services, Illumina
Classification: Uncertain significance for Propionic acidemia. Last evaluated: 2018-01-12. Review status: criteria provided, single submitter. Criteria: ICSL Variant Classification Criteria 13 December 2019. Collection method: clinical testing. Allele origin: germline.

NM_000282.4(PCCA):c.346C>G (p.Pro116Ala)

Gene: PCCA (propionyl-CoA carboxylase subunit alpha; plus strand). Cytogenetic location: 13q32.3.
Variant type: single nucleotide variant.
Coding change: c.346C>G on transcript NM_000282.4 (MANE Select); coding-DNA position 346, C replaced by G.
Protein change: p.Pro116Ala; replaces proline 116 with alanine.
Molecular consequence: missense variant. On other transcripts: 5 prime UTR variant (3), non-coding transcript variant (5).
Genome position (GRCh38, 1-based): chr13:100,155,024, C>G. VCF-style: chr13-100155024-C-G. GRCh37 (hg19) VCF-style: chr13-100807278-C-G.
Other names: c.268C>G, p.Pro90Ala (NM_001127692.3, NM_001352607.2, NM_001352608.2); c.346C>G, p.Pro116Ala (NM_001178004.2, NM_001352605.2, NM_001352606.2 and 1 more transcripts); c.-521C>G (NM_001352610.2, NM_001352611.2, NM_001352612.2); short protein forms P90A, P116A.
Identifiers: ClinVar variation 882425 (VCV000882425.5), dbSNP rs1566594619, ClinGen allele CA388693648.